The following is an entry in ClinVar:

ClinVar aggregate classification (germline): Uncertain significance (1 of 4 stars; one submission).

Allele frequency attached by ClinVar (database versions not stated): TOPMed below 0.00001; gnomAD exomes 0.00001.

Submission:

CeGaT Center for Human Genetics Tuebingen
Classification: Uncertain significance. Last evaluated: 2023-03-01. Review status: criteria provided, single submitter. Criteria: CeGaT Center For Human Genetics Tuebingen Variant Classification Criteria Version 2. Collection method: clinical testing. Allele origin: germline. Affected: yes. Observed: 1 variant allele.
Comment: YIPF5: PM2, PVS1:Supporting

NM_030799.9(YIPF5):c.1A>G (p.Met1Val)

Gene: YIPF5 (Yip1 domain family member 5; minus strand). Cytogenetic location: 5q31.3.
Variant type: single nucleotide variant.
Coding change: c.1A>G on transcript NM_030799.9 (MANE Select); coding-DNA position 1, A replaced by G.
Protein change: p.Met1Val; changes the start codon (methionine 1).
Molecular consequence: missense variant, initiator codon variant. On other transcripts: intron variant (1).
Genome position (GRCh38, 1-based): chr5:144,169,955, T>C on the plus strand (A>G on the coding strand, the complement: YIPF5 is on the minus strand). VCF-style: chr5-144169955-T-C. GRCh37 (hg19) VCF-style: chr5-143549519-T-C.
Other names: c.1A>G, p.Met1Val (NM_001024947.4); c.-53+329A>G (NM_001271732.2); short protein forms M1V.
Identifiers: ClinVar variation 2498985 (VCV002498985.29), dbSNP rs1314864442, ClinGen allele CA361872762.